The following is an entry in ClinVar:

NM_001040142.2(SCN2A):c.1035-57A>G

Gene: SCN2A (sodium voltage-gated channel alpha subunit 2; plus strand). Cytogenetic location: 2q24.3.
Variant type: single nucleotide variant.
Coding change: c.1035-57A>G on transcript NM_001040142.2 (MANE Select); 57 bases into the intron before coding-DNA position 1035, A replaced by G.
Molecular consequence: intron variant.
Genome position (GRCh38, 1-based): chr2:165,313,563, A>G. VCF-style: chr2-165313563-A-G. GRCh37 (hg19) VCF-style: chr2-166170073-A-G.
Other names: c.1035-57A>G (NM_001040143.2, NM_001371246.1, NM_001371247.1 and 1 more transcripts).
Identifiers: ClinVar variation 670843 (VCV000670843.4), dbSNP rs13025009, ClinGen allele CA11165956.

ClinVar aggregate classification (germline): Benign. Review status: criteria provided, multiple submitters, no conflicts (2 of 4 stars). 3 submissions from 3 submitters: Benign (3). Last evaluated 2024-07-15.

Allele frequency attached by ClinVar (database versions not stated): 1000 Genomes Project 30x 0.14475; 1000 Genomes Project 0.14716; gnomAD 0.15226 and 0.15546; TOPMed 0.15933; gnomAD exomes 0.20046.
gnomAD v4.1: 314,606 of 1,602,620 alleles (20%); highest among the groups gnomAD compares: South Asian, 24%; 32,994 homozygotes.

Submissions (3):

Unidad de Genómica Garrahan, Hospital de Pediatría Garrahan
Classification: Benign. Last evaluated: 2024-07-15. Review status: criteria provided, single submitter. Criteria: ACMG Guidelines, 2015. Collection method: clinical testing. Allele origin: germline. Affected: no. Observed: 32 variant alleles.
Comment: This variant is classified as Benign based on local population frequency. This variant was detected in 34% of patients studied in a panel designed for Epileptic and Developmental Encephalopathy and Progressive Myoclonus Epilepsy. Number of patients: 32. Only high quality variants are reported.

GeneDx
Classification: Benign. Last evaluated: 2018-06-14. Review status: criteria provided, single submitter. Criteria: GeneDx Variant Classification (06012015). Collection method: clinical testing. Allele origin: germline. Affected: yes.
Comment: This variant is considered likely benign or benign based on one or more of the following criteria: it is a conservative change, it occurs at a poorly conserved position in the protein, it is predicted to be benign by multiple in silico algorithms, and/or has population frequency not consistent with disease.

Breakthrough Genomics
Classification: Benign. Review status: criteria provided, single submitter. Criteria: ACMG Guidelines, 2015. Collection method: not provided. Allele origin: germline. Inheritance: Autosomal dominant inheritance. Affected: yes.